The following is an entry in ClinVar:

NM_001267550.2(TTN):c.66517G>C (p.Val22173Leu)

Genes: TTN (titin; minus strand), TTN-AS1 (TTN antisense RNA 1; plus strand). Cytogenetic location: 2q31.2.
Variant type: single nucleotide variant.
Coding change: c.66517G>C on transcript NM_001267550.2 (MANE Select); coding-DNA position 66517, G replaced by C.
Protein change: p.Val22173Leu; replaces valine 22173 with leucine.
Molecular consequence: missense variant.
Genome position (GRCh38, 1-based): chr2:178,581,751, C>G on the plus strand (G>C on the coding strand, the complement: TTN is on the minus strand). VCF-style: chr2-178581751-C-G. GRCh37 (hg19) VCF-style: chr2-179446478-C-G.
Other names: c.61594G>C, p.Val20532Leu (NM_001256850.1); c.39322G>C, p.Val13108Leu (NM_003319.4); c.58813G>C, p.Val19605Leu (NM_133378.4); c.39697G>C, p.Val13233Leu (NM_133432.3); c.39898G>C, p.Val13300Leu (NM_133437.4); short protein forms V13108L, V13233L, V13300L, V19605L, V20532L, V22173L.
Identifiers: ClinVar variation 3345465 (VCV003345465.1).

ClinVar aggregate classification (germline): Uncertain significance (0 of 4 stars; one submission).

Conditions:
TTN-related disorder. Also called: TTN-related disorders; TTN-related condition; TTN-related disease.

Submission:

PreventionGenetics, part of Exact Sciences
Classification: Uncertain significance for TTN-related condition. Last evaluated: 2024-04-12. Review status: no assertion criteria provided. Collection method: clinical testing. Allele origin: germline.
Comment: The TTN c.66517G>C variant is predicted to result in the amino acid substitution p.Val22173Leu. To our knowledge, this variant has not been reported in the literature. This variant is reported in 0.00094% of alleles in individuals of European (Non-Finnish) descent in gnomAD. At this time, the clinical significance of this variant is uncertain due to the absence of conclusive functional and genetic evidence.